The following is an entry in ClinVar:

NM_000051.4(ATM):c.8131G>C (p.Glu2711Gln)

Genes: ATM (ATM serine/threonine kinase; plus strand), C11orf65 (chromosome 11 open reading frame 65; minus strand). Cytogenetic location: 11q22.3.
Variant type: single nucleotide variant.
Coding change: c.8131G>C on transcript NM_000051.4 (MANE Select); coding-DNA position 8131, G replaced by C.
Protein change: p.Glu2711Gln; replaces glutamic acid 2711 with glutamine.
Molecular consequence: missense variant. On other transcripts: intron variant (2).
Genome position (GRCh38, 1-based): chr11:108,335,089, G>C. VCF-style: chr11-108335089-G-C. GRCh37 (hg19) VCF-style: chr11-108205816-G-C.
Other names: c.8131G>C, p.Glu2711Gln (NM_001351834.2); c.641-26018C>G (NM_001330368.2); c.*38+131C>G (NM_001351110.2); short protein forms E2711Q.
Identifiers: ClinVar variation 3661241 (VCV003661241.2).
Genomic context (GRCh38, chr11:108,335,089, plus strand): 5'-CGCTTAGCAGGAGGTGTAAATTTACCAAAAATAATAGATTGTGTAGGTTCCGATGGCAAG[G>C]AGAGGAGACAGCTTGTTAAGGTGAGCCTTCCCTTCTCTGGCTTAGCCCTTAGAGTTTTAG-3'
Protein context (NP_000042.3, residues 2701-2721): IIDCVGSDGK[Glu2711Gln]RRQLVKGRDD

ClinVar aggregate classification (germline): Uncertain significance (1 of 4 stars; one submission).

Conditions:
Ataxia-telangiectasia syndrome (AT). Also called: Ataxia-telangiectasia, complementation group D; AT, COMPLEMENTATION GROUP C; ATAXIA-TELANGIECTASIA, COMPLEMENTATION GROUP A; ATAXIA-TELANGIECTASIA, FRESNO VARIANT; Ataxia-telangiectasia; Ataxia-telangiectasia, complementation group E. Identifiers: Orphanet 100, MedGen C0004135, MONDO:0008840, OMIM 208900.

Submission:

Labcorp Genetics (formerly Invitae), Labcorp
Classification: Uncertain significance for Ataxia-telangiectasia syndrome. Last evaluated: 2024-08-02. Review status: criteria provided, single submitter. Criteria: Invitae Variant Classification Sherloc (09022015). Collection method: clinical testing. Allele origin: germline.
Comment: This sequence change replaces glutamic acid, which is acidic and polar, with glutamine, which is neutral and polar, at codon 2711 of the ATM protein (p.Glu2711Gln). This variant is not present in population databases (gnomAD no frequency). This variant has not been reported in the literature in individuals affected with ATM-related conditions. An algorithm developed to predict the effect of missense changes on protein structure and function (PolyPhen-2) suggests that this variant is likely to be disruptive. In summary, the available evidence is currently insufficient to determine the role of this variant in disease. Therefore, it has been classified as a Variant of Uncertain Significance.